The following is an entry in ClinVar:

NM_002076.4(GNS):c.1600C>T (p.Leu534Phe)

Gene: GNS (glucosamine (N-acetyl)-6-sulfatase; minus strand). Cytogenetic location: 12q14.3.
Variant type: single nucleotide variant.
Coding change: c.1600C>T on transcript NM_002076.4 (MANE Select); coding-DNA position 1600, C replaced by T.
Protein change: p.Leu534Phe; replaces leucine 534 with phenylalanine.
Molecular consequence: missense variant.
Genome position (GRCh38, 1-based): chr12:64,716,800, G>A on the plus strand (C>T on the coding strand, the complement: GNS is on the minus strand). VCF-style: chr12-64716800-G-A. GRCh37 (hg19) VCF-style: chr12-65110580-G-A.
Other names: short protein forms L534F.
Identifiers: ClinVar variation 2102404 (VCV002102404.4), dbSNP rs2539499859, ClinGen allele CA385599941.

ClinVar aggregate classification (germline): Uncertain significance (1 of 4 stars; one submission).

Conditions:
Mucopolysaccharidosis, MPS-III-D (MPS3D). Also called: N-ACETYLGLUCOSAMINE-6-SULFATASE DEFICIENCY; SANFILIPPO SYNDROME D; MPS III D; Mucopoly-saccharidosis type 3D; N-acetylglucosamine-6-sulfate sulfatase deficiency; MPS 3D. Identifiers: Orphanet 581, Orphanet 79272, MedGen C0086650, MONDO:0009658, OMIM 252940.

Allele frequency attached by ClinVar (database versions not stated): gnomAD exomes below 0.00001.
gnomAD v4.1: 2 of 1,612,542 alleles (0.00012%); highest among the groups gnomAD compares: Non-Finnish European, 0.00017%; no homozygotes.

Submission:

Labcorp Genetics (formerly Invitae), Labcorp
Classification: Uncertain significance for Mucopolysaccharidosis, MPS-III-D. Last evaluated: 2024-01-08. Review status: criteria provided, single submitter. Criteria: Invitae Variant Classification Sherloc (09022015). Collection method: clinical testing. Allele origin: germline.
Comment: This sequence change replaces leucine, which is neutral and non-polar, with phenylalanine, which is neutral and non-polar, at codon 534 of the GNS protein (p.Leu534Phe). This variant is not present in population databases (gnomAD no frequency). This variant has not been reported in the literature in individuals affected with GNS-related conditions. ClinVar contains an entry for this variant (Variation ID: 2102404). An algorithm developed to predict the effect of missense changes on protein structure and function (PolyPhen-2) suggests that this variant is likely to be tolerated. In summary, the available evidence is currently insufficient to determine the role of this variant in disease. Therefore, it has been classified as a Variant of Uncertain Significance.